The following is an entry in ClinVar:

NM_003742.4(ABCB11):c.1460G>C (p.Arg487Pro)

Gene: ABCB11 (ATP binding cassette subfamily B member 11; minus strand). Cytogenetic location: 2q31.1.
Variant type: single nucleotide variant.
Coding change: c.1460G>C on transcript NM_003742.4 (MANE Select); coding-DNA position 1460, G replaced by C.
Protein change: p.Arg487Pro; replaces arginine 487 with proline.
Molecular consequence: missense variant.
Genome position (GRCh38, 1-based): chr2:168,972,025, C>G on the plus strand (G>C on the coding strand, the complement: ABCB11 is on the minus strand). VCF-style: chr2-168972025-C-G. GRCh37 (hg19) VCF-style: chr2-169828535-C-G.
Other names: short protein forms R487P.
Identifiers: ClinVar variation 1070887 (VCV001070887.14), dbSNP rs188824058, ClinGen allele CA349116096.

ClinVar aggregate classification (germline): Pathogenic/Likely pathogenic. Review status: criteria provided, multiple submitters, no conflicts (2 of 4 stars). 5 submissions from 5 submitters: Pathogenic (3); Likely pathogenic (2). Last evaluated 2026-04-14.

Conditions:
Progressive familial intrahepatic cholestasis type 2. Identifiers: Orphanet 79304, MedGen C3489789, MONDO:0011156, OMIM 601847.
ABCB11-related disorder. Also called: ABCB11-related condition.
Familial intrahepatic cholestasis. Identifiers: Orphanet 284385, MedGen CN296401, MONDO:0017290.
Progressive familial intrahepatic cholestasis type 1. Also called: Severe ATP8B1 Deficiency (Progressive Familial Intrahepatic Cholestasis Type 1 [PFIC1]); BYLER DISEASE; Byler's disease. Identifiers: Orphanet 79306, MedGen C4551898, MONDO:0008892, OMIM 211600.

Submissions (5):

Genomenon, Inc
Classification: Likely pathogenic for Familial intrahepatic cholestasis. Last evaluated: 2026-04-14. Review status: criteria provided, single submitter. Criteria: Genomenon Sequence Variant Interpretation Standards - Updated. Collection method: curation. Allele origin: germline. Affected: yes.
Comment: ABCB11 p.Arg487Pro (c.1460G>C) is a missense variant that changes the amino acid at residue 487 from Arginine to Proline. This variant has been observed in at least one proband with an ABCB11-related disorder (PMID:36995996;35780807;31160058;28733223;18395098). It has been observed in trans with a pathogenic or likely pathogenic variant (PMID:28733223). It is absent or not present at a significant frequency in gnomAD. In silico models predict that this variant is possibly or probably damaging. In conclusion, we classify ABCB11 p.Arg487Pro (c.1460G>C) as a likely pathogenic variant.

Women's Health and Genetics/Laboratory Corporation of America, LabCorp
Classification: Pathogenic for Progressive familial intrahepatic cholestasis type 1. Last evaluated: 2025-10-09. Review status: criteria provided, single submitter. Criteria: LabCorp Variant Classification Summary - May 2015. Collection method: clinical testing. Allele origin: germline.
Comment: Variant summary: ABCB11 c.1460G>C (p.Arg487Pro) results in a non-conservative amino acid change in the encoded protein sequence. Algorithms developed to predict the effect of missense changes on protein structure and function all suggest that this variant is likely to be disruptive. The variant was absent in 247784 control chromosomes. c.1460G>C has been observed in the presumed compound heterozygous and homozygous states in multiple individual(s) affected with Progressive familial intrahepatic cholestasis type 1 (example, Hertel_2021, Emerick_2008, Droge_2017, Strautnieks_2008). These data indicate that the variant is likely to be associated with disease. A different variant affecting the same codon has been classified as likely pathogenic/pathogenic by our lab (c.1460G>A, p.Arg487His), supporting the critical relevance of codon 487 to ABCB11 protein function. The following publications have been ascertained in the context of this evaluation (PMID: 34016879, 18937870, 28733223, 31160058, 18395098). ClinVar contains an entry for this variant (Variation ID: 1070887). Based on the evidence outlined above, the variant was classified as pathogenic.

Natera, Inc.
Classification: Likely pathogenic for Progressive familial intrahepatic cholestasis type 2. Last evaluated: 2025-06-24. Review status: criteria provided, single submitter. Criteria: Natera Variant Classification Schema (03/2026). Collection method: clinical testing. Allele origin: germline.
Comment: The c.1460G>C variant in ABCB11 is a missense variant predicted to cause substitution of arginine to proline at amino acid 487. This variant is rare in the general population with a frequency below the threshold expected for the associated phenotype(s). This variant has been observed in one or more individuals affected with the associated recessive disease, as either homozygous or compound heterozygous with a second variant (PMID: 36995996, 35780807, 34016879, 18395098). A different variant at the same position has been determined to be Pathogenic or Likely Pathogenic. Computational prediction algorithms indicate this variant is likely to affect gene or protein function. Given the available evidence, this variant is classified as Likely Pathogenic.

Blueprint Genetics
Classification: Pathogenic for ABCB11-related disorders. Last evaluated: 2021-12-20. Review status: criteria provided, single submitter. Criteria: ACMG Guidelines, 2015. Collection method: clinical testing. Allele origin: germline. Affected: yes. Observed: 3 variant alleles.

Labcorp Genetics (formerly Invitae), Labcorp
Classification: Pathogenic. Last evaluated: 2020-09-24. Review status: criteria provided, single submitter. Criteria: Invitae Variant Classification Sherloc (09022015). Collection method: clinical testing. Allele origin: germline.
Comment: For these reasons, this variant has been classified as Pathogenic. This variant disrupts the p.Arg487 amino acid residue in ABCB11. Other variant(s) that disrupt this residue have been determined to be pathogenic (PMID: 12717091, 27050426). This suggests that this residue is clinically significant, and that variants that disrupt this residue are likely to be disease-causing. Advanced modeling of protein sequence and biophysical properties (such as structural, functional, and spatial information, amino acid conservation, physicochemical variation, residue mobility, and thermodynamic stability) performed at Invitae indicates that this missense variant is expected to disrupt ABCB11 protein function. This variant has been observed in individual(s) with progressive familial intrahepatic cholestasis (PMID: 18395098,18937870). This variant is not present in population databases (ExAC no frequency). This sequence change replaces arginine with proline at codon 487 of the ABCB11 protein (p.Arg487Pro). The arginine residue is highly conserved and there is a moderate physicochemical difference between arginine and proline.

Literature cited by the submitters: PubMed 36995996 (cited by Genomenon, Inc and Natera, Inc.); PubMed 35780807 (cited by Genomenon, Inc and Natera, Inc.); PubMed 31160058 (cited by Genomenon, Inc and Women's Health and Genetics/Laboratory Corporation of America, LabCorp); PubMed 28733223 (cited by Genomenon, Inc and Women's Health and Genetics/Laboratory Corporation of America, LabCorp); PubMed 18395098 (cited by 4 submitters); PubMed 34016879 (cited by Women's Health and Genetics/Laboratory Corporation of America, LabCorp and Natera, Inc.); PubMed 18937870 (cited by Women's Health and Genetics/Laboratory Corporation of America, LabCorp and Labcorp Genetics (formerly Invitae), Labcorp); PubMed 12717091 (cited by Labcorp Genetics (formerly Invitae), Labcorp); PubMed 27050426 (cited by Labcorp Genetics (formerly Invitae), Labcorp).